The following is an entry in ClinVar:

NM_007294.4(BRCA1):c.37A>G (p.Asn13Asp)

Gene: BRCA1 (BRCA1 DNA repair associated; minus strand). Cytogenetic location: 17q21.31.
Variant type: single nucleotide variant.
Coding change: c.37A>G on transcript NM_007294.4 (MANE Select); coding-DNA position 37, A replaced by G.
Protein change: p.Asn13Asp; replaces asparagine 13 with aspartic acid.
Molecular consequence: missense variant. On other transcripts: 5 prime UTR variant (1), non-coding transcript variant (1).
Genome position (GRCh38, 1-based): chr17:43,124,060, T>C on the plus strand (A>G on the coding strand, the complement: BRCA1 is on the minus strand). VCF-style: chr17-43124060-T-C. GRCh37 (hg19) VCF-style: chr17-41276077-T-C.
Other names: c.-221A>G (NM_001407749.1, NM_001407842.1, NM_001407843.1 and 11 more transcripts); c.-51A>G (NM_001407750.1, NM_001407845.1, NM_001407849.1 and 23 more transcripts); c.-170A>G (NM_001407751.1, NM_001407726.1); c.-224A>G (NM_001407752.1, NM_001407838.1, NM_001407847.1 and 22 more transcripts); c.-101A>G (NM_001407841.1); c.-250A>G (NM_001407846.1, NM_001407920.1, NM_001407697.1); c.-152A>G (NM_001407853.1, NM_001407879.1, NM_001407882.1 and 46 more transcripts); c.37A>G, p.Asn13Asp (NM_001407854.1, NM_001407858.1, NM_001407859.1 and 193 more transcripts); and 8 more; short protein forms N13D.
Identifiers: ClinVar variation 666101 (VCV000666101.13), dbSNP rs1597923586, ClinGen allele CA10602087.

ClinVar aggregate classification (germline): Conflicting classifications of pathogenicity. Review status: criteria provided, conflicting classifications (1 of 4 stars). 2 submissions from 2 submitters: Uncertain significance (1); Likely benign (1). Last evaluated 2024-04-12.

Conditions:
Breast-ovarian cancer, familial, susceptibility to, 1 (BROVCA1). Also called: OVARIAN CANCER, SUSCEPTIBILITY TO; BRCA1 Hereditary Breast and Ovarian Cancer. Identifiers: Orphanet 145, MedGen C2676676, MONDO:0011450, OMIM 604370. Disease mechanism: loss of function.
Hereditary breast ovarian cancer syndrome. Also called: Hereditary breast and ovarian cancer syndrome (HBOC); Hereditary breast and ovarian cancer; BRCA1- and BRCA2-Associated Hereditary Breast and Ovarian Cancer; Breast and ovarian cancer; Hereditary breast and ovarian cancer syndrome; Hereditary breast and/or ovarian cancer syndrome. Identifiers: Orphanet 145, MedGen C0677776, MeSH D061325, MONDO:0003582. Disease mechanism: loss of function.

Submissions (3):

Lupski Lab, Baylor-Hopkins CMG, Baylor College of Medicine
Classification: Likely benign for Breast-ovarian cancer, familial, susceptibility to, 1. Last evaluated: 2024-04-12. Review status: criteria provided, single submitter. Criteria: Dawood et al. (medRxiv. 2024). Collection method: curation. Allele origin: germline.
Comment: Each variant was annotated with functional scores from MAVE data which was translated into functional evidence codes. All other evidence codes and combining criteria were adhered to as closely as possible based on the ClinGen VCEP (Variant Curation Expert Panel) gene-specific recommendations. See Supplemental Figure 34 of final paper (Supp Fig. 28 in preprint: doi:10.1101/2024.04.11.24305690) for a table to see which lines of evidence we did not have data for. The ClinGen VCEPs are highly regarded as the gold-standard for gene-specific variant curation and are developed after extensive evaluation of the evidence by clinical and scientific experts for the particular gene to classify genomic variants on a spectrum from pathogenic to benign using the 2015 ACMG/AMP Variant Interpretation Guidelines as a backbone (PMID: 25741868). Reclassification of these VUS variants from gnomAD or All of Us focused only on variants originally prescribed as VUS in ClinVar. To ensure reproducibility, transparency, and increased throughput, all the procedures for annotating variants and assigning evidence codes were codified using Python. All code has been made freely available and is linked in the Code Availability section and all reclassified variants with evidence codes used can be found in Tables S18-19 (preprint: doi:10.1101/2024.04.11.24305690). For the MAVE data, the clinical curation and clinical strength assignment as per the ClinGen recommendations in Brnich et al. (2020) (PMID: 31892348) for or against pathogenicity or benignity of each of these MAVE datasets utilized in this study were previously published in Fayer et al. (2021) (PMID: 34793697).In brief, for BRCA1 variants, if a variant was categorized as FUNC (functional), it was assigned BS3 evidence and no PS3 evidence, whereas if it was categorized as LOF (loss of function), the variant was assigned PS3 evidence and no BS3 evidence. Variants categorized as INT (intermediate) were left unannotated. For the BRCA1 combining criteria, greater than or equal to 1 criteria of strong benign evidence was enough to reclassify the VUS as Likely Benign. This variant GRCh38:17:43124060:T>C was assigned evidence codes ['BS3', 'BP4'] and an overall classification of Likely benign

Labcorp Genetics (formerly Invitae), Labcorp
Classification: Uncertain significance for Hereditary breast ovarian cancer syndrome. Last evaluated: 2021-03-14. Review status: criteria provided, single submitter. Criteria: Invitae Variant Classification Sherloc (09022015). Collection method: clinical testing. Allele origin: germline.
Comment: This variant has been reported not to substantially affect BRCA1 protein function (PMID: 30209399). In summary, the available evidence is currently insufficient to determine the role of this variant in disease. Therefore, it has been classified as a Variant of Uncertain Significance. Advanced modeling of experimental studies (such as gene expression, population dynamics, functional pathways, and cell-cycle effects in cell culture) performed at Invitae indicates that this missense variant is not expected to disrupt BRCA1 protein function. This variant has not been reported in the literature in individuals with BRCA1-related conditions. ClinVar contains an entry for this variant (Variation ID: 666101). This variant is not present in population databases (ExAC no frequency). This sequence change replaces asparagine with aspartic acid at codon 13 of the BRCA1 protein (p.Asn13Asp). The asparagine residue is moderately conserved and there is a small physicochemical difference between asparagine and aspartic acid.

Brotman Baty Institute, University of Washington
No classification provided (evidence only). Condition: Breast-ovarian cancer, familial 1. Review status: no classification provided. Collection method: in vitro. Allele origin: not applicable. Functional consequence: functionally_normal. Not counted in ClinVar's aggregate classification.
ClinVar note: "not provided" was previously submitted as the classification for the variant. However, the classification appeared to be based only on an observation of functional data so it was converted to no classification on 2025-07-30.

Literature cited by the submitters: PubMed 39142283 (cited by Lupski Lab, Baylor-Hopkins CMG, Baylor College of Medicine); PubMed 34793697 (cited by Lupski Lab, Baylor-Hopkins CMG, Baylor College of Medicine); DOI 10.1101/2024.04.11.24305690 (cited by Lupski Lab, Baylor-Hopkins CMG, Baylor College of Medicine); PubMed 30209399 (cited by Labcorp Genetics (formerly Invitae), Labcorp).